The following is an entry in ClinVar:

ClinVar aggregate classification (germline): Uncertain significance (1 of 4 stars; one submission).

Submission:

Labcorp Genetics (formerly Invitae), Labcorp
Classification: Uncertain significance. Last evaluated: 2025-04-16. Review status: criteria provided, single submitter. Criteria: Invitae Variant Classification Sherloc (09022015). Collection method: clinical testing. Allele origin: germline.
Comment: This sequence change replaces serine, which is neutral and polar, with arginine, which is basic and polar, at codon 1590 of the POLE protein (p.Ser1590Arg). This variant is not present in population databases (gnomAD no frequency). This variant has not been reported in the literature in individuals affected with POLE-related conditions. Invitae Evidence Modeling of protein sequence and biophysical properties (such as structural, functional, and spatial information, amino acid conservation, physicochemical variation, residue mobility, and thermodynamic stability) indicates that this missense variant is not expected to disrupt POLE protein function with a negative predictive value of 80%. In summary, the available evidence is currently insufficient to determine the role of this variant in disease. Therefore, it has been classified as a Variant of Uncertain Significance.

NM_006231.4(POLE):c.4770C>G (p.Ser1590Arg)

Gene: POLE (DNA polymerase epsilon, catalytic subunit; minus strand). Cytogenetic location: 12q24.33.
Variant type: single nucleotide variant.
Coding change: c.4770C>G on transcript NM_006231.4 (MANE Select); coding-DNA position 4770, C replaced by G.
Protein change: p.Ser1590Arg; replaces serine 1590 with arginine.
Molecular consequence: missense variant.
Genome position (GRCh38, 1-based): chr12:132,642,688, G>C on the plus strand (C>G on the coding strand, the complement: POLE is on the minus strand). VCF-style: chr12-132642688-G-C. GRCh37 (hg19) VCF-style: chr12-133219274-G-C.
Other names: short protein forms S1590R.
Identifiers: ClinVar variation 4743231 (VCV004743231.1).